The following is an entry in ClinVar:

NM_024577.4(SH3TC2):c.2095C>T (p.Gln699Ter)

Gene: SH3TC2 (SH3 domain and tetratricopeptide repeats 2; minus strand). Cytogenetic location: 5q32.
Variant type: single nucleotide variant.
Coding change: c.2095C>T on transcript NM_024577.4 (MANE Select); coding-DNA position 2095, C replaced by T.
Protein change: p.Gln699Ter; replaces glutamine 699 with a stop codon.
Molecular consequence: nonsense.
Genome position (GRCh38, 1-based): chr5:149,027,637, G>A on the plus strand (C>T on the coding strand, the complement: SH3TC2 is on the minus strand). VCF-style: chr5-149027637-G-A. GRCh37 (hg19) VCF-style: chr5-148407200-G-A.
Other names: short protein forms Q699*.
Identifiers: ClinVar variation 916841 (VCV000916841.2), dbSNP rs1754094644, ClinGen allele CA361667093.

ClinVar aggregate classification (germline): Pathogenic. Review status: criteria provided, multiple submitters, no conflicts (2 of 4 stars). 2 submissions from 2 submitters: Pathogenic (2). Last evaluated 2022-06-12.

Conditions:
Charcot-Marie-Tooth disease. Also called: Charcot-Marie-Tooth Hereditary Neuropathy; Charcot-Marie-Tooth Neuropathy. Identifiers: Orphanet 166, MedGen C0007959, MONDO:0015626.
Charcot-Marie-Tooth disease type 4C (CMT4C). Also called: Charcot-Marie-Tooth Neuropathy Type 4C (CMT4C); SH3TC2-Related Hereditary Motor and Sensory Neuropathy; CHARCOT-MARIE-TOOTH DISEASE, DEMYELINATING, TYPE 4C; CHARCOT-MARIE-TOOTH DISEASE, DEMYELINATING, AUTOSOMAL RECESSIVE, TYPE 4C; CMT 4C. Identifiers: Orphanet 99949, MedGen C1866636, MONDO:0011113, OMIM 601596.

Submissions (2):

Kariminejad - Najmabadi Pathology & Genetics Center
Classification: Pathogenic for Charcot-Marie-Tooth disease type 4C. Last evaluated: 2022-06-12. Review status: criteria provided, single submitter. Criteria: ACMG Guidelines, 2015. Collection method: clinical testing. Allele origin: germline. Inheritance: Autosomal recessive inheritance. Affected: yes.
Comment: PVS1, PM2, PP5

Molecular Genetics Laboratory, London Health Sciences Centre
Classification: Pathogenic for Charcot-Marie-Tooth disease. Review status: criteria provided, single submitter. Criteria: ACMG Guidelines, 2015. Collection method: clinical testing. Allele origin: germline. Affected: yes.